The following is an entry in ClinVar:

ClinVar aggregate classification (germline): Uncertain significance. Review status: criteria provided, multiple submitters, no conflicts (2 of 4 stars). 3 submissions from 3 submitters: Uncertain significance (3). Last evaluated 2025-03-31.

Conditions:
Inborn genetic diseases. Identifiers: MedGen C0950123, MeSH D030342.

Allele frequency attached by ClinVar (database versions not stated): ExAC 0.00006; gnomAD 0.00019; TOPMed 0.00028; ESP Exome Variant Server 0.00042.
gnomAD v4.1: 55 of 1,614,132 alleles (0.0034%); highest among the groups gnomAD compares: African/African-American, 0.063%; no homozygotes.

Submissions (3):

Dasa
Classification: Uncertain significance. Last evaluated: 2025-03-31. Review status: criteria provided, single submitter. Criteria: DASA Assertion Criteria. Collection method: clinical testing. Allele origin: germline.
Comment: NM_178857.6(RP1L1):c.7151C>A (p.Thr2384Asn) is a missense variant that results in the substitution of threonine with asparagine. This variant is rare in population databases. Computational prediction algorithms are consistent with a benign effect. The currently available literature and clinical evidence are not sufficient to establish a definitive association between this variant and the reported condition. Therefore, this variant is classified as a variant of uncertain significance.

Blueprint Genetics
Classification: Uncertain significance. Last evaluated: 2022-08-24. Review status: criteria provided, single submitter. Criteria: ACMG Guidelines, 2015. Collection method: clinical testing. Allele origin: germline.

Ambry Genetics
Classification: Uncertain significance for Inborn genetic diseases. Last evaluated: 2021-09-14. Review status: criteria provided, single submitter. Criteria: Ambry Variant Classification Scheme 2023. Collection method: clinical testing. Allele origin: germline.

NM_178857.6(RP1L1):c.7151C>A (p.Thr2384Asn)

Gene: RP1L1 (RP1 like 1). Cytogenetic location: 8p23.1.
Variant type: single nucleotide variant.
Coding change: c.7151C>A on transcript NM_178857.6 (MANE Select); coding-DNA position 7151, C replaced by A.
Protein change: p.Thr2384Asn; replaces threonine 2384 with asparagine.
Molecular consequence: missense variant.
Genome position (GRCh38, 1-based): chr8:10,606,947, G>T on the plus strand (C>A on the coding strand, the complement: RP1L1 is on the minus strand). VCF-style: chr8-10606947-G-T. GRCh37 (hg19) VCF-style: chr8-10464457-G-T.
Other names: short protein forms T2384N.
Identifiers: ClinVar variation 2374782 (VCV002374782.5), dbSNP rs370783049, ClinGen allele CA4623060.